The following is an entry in ClinVar:

ClinVar aggregate classification (germline): Uncertain significance (1 of 4 stars; one submission).

Allele frequency attached by ClinVar (database versions not stated): TOPMed below 0.00001.
gnomAD v4.1: 2 of 687,468 alleles (0.00029%); highest among the groups gnomAD compares: Non-Finnish European, 0.00026%; no homozygotes.

Submission:

CeGaT Center for Human Genetics Tuebingen
Classification: Uncertain significance. Last evaluated: 2023-05-01. Review status: criteria provided, single submitter. Criteria: CeGaT Center For Human Genetics Tuebingen Variant Classification Criteria Version 2. Collection method: clinical testing. Allele origin: germline. Affected: yes. Observed: 1 variant allele.
Comment: COL4A1: PM2, BP4

NM_001845.6(COL4A1):c.1536+557T>C

Gene: COL4A1 (collagen type IV alpha 1 chain; minus strand). Cytogenetic location: 13q34.
Variant type: single nucleotide variant.
Coding change: c.1536+557T>C on transcript NM_001845.6 (MANE Select); 557 bases into the intron after coding-DNA position 1536, T replaced by C.
Molecular consequence: intron variant.
Genome position (GRCh38, 1-based): chr13:110,191,657, A>G on the plus strand (T>C on the coding strand, the complement: COL4A1 is on the minus strand). VCF-style: chr13-110191657-A-G. GRCh37 (hg19) VCF-style: chr13-110844004-A-G.
Other names: c.1537-8T>C (NM_001303110.2).
Identifiers: ClinVar variation 2643943 (VCV002643943.24), dbSNP rs1878632914, ClinGen allele CA2118744590.
Genomic context (GRCh38, chr13:110,191,657, plus strand): 5'-AGGTTTCATGTCAATGTGATCCGGATATTTCATTTATGGATTTGAAAAAGCAACTGCACA[A>G]TAGATGTTGTAACAGAAATTTTCAACTGTAAGAAGAAGAATAAAAACATATTTCTAATCC-3'